The following is an entry in ClinVar:

NM_001042492.3(NF1):c.3285G>A (p.Leu1095=)

Gene: NF1 (neurofibromin 1; plus strand). Cytogenetic location: 17q11.2.
Variant type: single nucleotide variant.
Coding change: c.3285G>A on transcript NM_001042492.3 (MANE Select); coding-DNA position 3285, G replaced by A.
Protein change: p.Leu1095=; no amino-acid change (leucine 1095 retained).
Molecular consequence: synonymous variant.
Genome position (GRCh38, 1-based): chr17:31,232,160, G>A. VCF-style: chr17-31232160-G-A. GRCh37 (hg19) VCF-style: chr17-29559178-G-A.
Other names: c.3285G>A, p.Leu1095= (NM_000267.4).
Identifiers: ClinVar variation 707737 (VCV000707737.19), dbSNP rs774759676, ClinGen allele CA8486130.

ClinVar aggregate classification (germline): Benign/Likely benign. Review status: criteria provided, multiple submitters, no conflicts (2 of 4 stars). 6 submissions from 6 submitters: Benign (1); Likely benign (4). 1 of the submissions does not count toward it. Last evaluated 2026-05-20.

Conditions:
NF1-related disorder. Also called: NF1-related condition. Identifiers: MedGen CN379171.
Hereditary cancer-predisposing syndrome. Also called: Hereditary Cancer Syndrome; Hereditary neoplastic syndrome; Neoplastic Syndromes, Hereditary; Tumor predisposition. Identifiers: Orphanet 140162, MedGen C0027672, MeSH D009386, MONDO:0015356.
Cardiovascular phenotype. Identifiers: MedGen CN230736.
Neurofibromatosis, type 1 (NF1). Also called: Neurofibromatosis, type I; VON RECKLINGHAUSEN DISEASE; NEUROFIBROMATOSIS, TYPE I, SOMATIC; Peripheral type neurofibromatosis. Identifiers: Orphanet 636, MedGen C0027831, MONDO:0018975, OMIM 162200. Disease mechanism: loss of function.

Allele frequency attached by ClinVar (database versions not stated): TOPMed 0.00002; gnomAD exomes 0.00006 and 0.00001; ExAC 0.00005; gnomAD 0.00001.
gnomAD v4.1: 14 of 1,593,768 alleles (0.00088%); highest among the groups gnomAD compares: East Asian, 0.028%; no homozygotes.

Submissions (6):

Myriad Genetics, Inc.
Classification: Benign for Neurofibromatosis, type 1. Last evaluated: 2026-05-20. Review status: criteria provided, single submitter. Criteria: Myriad Autosomal Dominant, Autosomal Recessive and X-Linked Classification Criteria (2023). Collection method: clinical testing. Allele origin: unknown.
Comment: This variant is considered benign. This variant is a silent/synonymous amino acid change and it is not expected to impact splicing.

Labcorp Genetics (formerly Invitae), Labcorp
Classification: Likely benign for Neurofibromatosis, type 1. Last evaluated: 2025-07-07. Review status: criteria provided, single submitter. Criteria: Invitae Variant Classification Sherloc (09022015). Collection method: clinical testing. Allele origin: germline.

Genome-Nilou Lab
Classification: Likely benign for Neurofibromatosis, type 1. Last evaluated: 2022-03-15. Review status: criteria provided, single submitter. Criteria: ACMG Guidelines, 2015. Collection method: clinical testing. Allele origin: germline. Affected: no.

GeneDx
Classification: Likely benign. Last evaluated: 2020-12-30. Review status: criteria provided, single submitter. Criteria: GeneDx Variant Classification Process June 2021. Collection method: clinical testing. Allele origin: germline. Affected: yes.

Ambry Genetics
Classification: Likely benign for Cardiovascular phenotype; Hereditary cancer-predisposing syndrome. Last evaluated: 2018-08-20. Review status: criteria provided, single submitter. Criteria: Ambry Variant Classification Scheme 2023. Collection method: clinical testing. Allele origin: germline.

PreventionGenetics, part of Exact Sciences
Classification: Likely benign for NF1-related condition. Last evaluated: 2023-02-16. Review status: no assertion criteria provided. Collection method: clinical testing. Allele origin: germline. Not counted in ClinVar's aggregate classification.
Comment: This variant is classified as likely benign based on ACMG/AMP sequence variant interpretation guidelines (Richards et al. 2015 PMID: 25741868, with internal and published modifications).